The following is an entry in ClinVar:

ClinVar aggregate classification (germline): Likely pathogenic (1 of 4 stars; one submission).

Conditions:
Hereditary spastic paraplegia 15 (SPG15). Also called: SPASTIC PARAPLEGIA 15, AUTOSOMAL RECESSIVE; KJELLIN SYNDROME; SPASTIC PARAPLEGIA AND RETINAL DEGENERATION. Identifiers: Orphanet 100996, MedGen C1849128, MONDO:0010044, OMIM 270700.

Submission:

Myriad Genetics, Inc.
Classification: Likely pathogenic for Hereditary spastic paraplegia 15. Last evaluated: 2022-02-24. Review status: criteria provided, single submitter. Criteria: Myriad Women's Health Autosomal Recessive and X-Linked Classification Criteria (2021). Collection method: clinical testing. Allele origin: unknown.
Comment: NM_015346.3(ZFYVE26):c.4522A>T(K1508*) is expected to be pathogenic in the context of spastic paraplegia type 15. This variant is predicted to lead to an abnormal or absent protein product due to the creation of a premature termination codon in ZFYVE26, a gene where loss-of-function variants are known to be pathogenic. Please note: this variant was assessed in the context of healthy population screening.

NM_015346.4(ZFYVE26):c.4522A>T (p.Lys1508Ter)

Gene: ZFYVE26 (zinc finger FYVE-type containing 26; minus strand). Cytogenetic location: 14q24.1.
Variant type: single nucleotide variant.
Coding change: c.4522A>T on transcript NM_015346.4 (MANE Select); coding-DNA position 4522, A replaced by T.
Protein change: p.Lys1508Ter; replaces lysine 1508 with a stop codon.
Molecular consequence: nonsense.
Genome position (GRCh38, 1-based): chr14:67,781,380, T>A on the plus strand (A>T on the coding strand, the complement: ZFYVE26 is on the minus strand). VCF-style: chr14-67781380-T-A. GRCh37 (hg19) VCF-style: chr14-68248097-T-A.
Other names: short protein forms K1508*.
Identifiers: ClinVar variation 1724635 (VCV001724635.2), dbSNP rs2502800727, ClinGen allele CA390169630.